The following is an entry in ClinVar:

NM_001197104.2(KMT2A):c.8845C>T (p.Pro2949Ser)

Gene: KMT2A (lysine methyltransferase 2A; plus strand). Cytogenetic location: 11q23.3.
Variant type: single nucleotide variant.
Coding change: c.8845C>T on transcript NM_001197104.2 (MANE Select); coding-DNA position 8845, C replaced by T.
Protein change: p.Pro2949Ser; replaces proline 2949 with serine.
Molecular consequence: missense variant.
Genome position (GRCh38, 1-based): chr11:118,504,737, C>T. VCF-style: chr11-118504737-C-T. GRCh37 (hg19) VCF-style: chr11-118375452-C-T.
Other names: c.8836C>T, p.Pro2946Ser (NM_005933.4); short protein forms P2946S, P2949S.
Identifiers: ClinVar variation 1379704 (VCV001379704.8), dbSNP rs1591283944, ClinGen allele CA382816502.

ClinVar aggregate classification (germline): Uncertain significance (1 of 4 stars; one submission).

Submission:

Labcorp Genetics (formerly Invitae), Labcorp
Classification: Uncertain significance. Last evaluated: 2022-06-27. Review status: criteria provided, single submitter. Criteria: Invitae Variant Classification Sherloc (09022015). Collection method: clinical testing. Allele origin: germline.
Comment: Advanced modeling of protein sequence and biophysical properties (such as structural, functional, and spatial information, amino acid conservation, physicochemical variation, residue mobility, and thermodynamic stability) performed at Invitae indicates that this missense variant is not expected to disrupt KMT2A protein function. In summary, the available evidence is currently insufficient to determine the role of this variant in disease. Therefore, it has been classified as a Variant of Uncertain Significance. This variant has not been reported in the literature in individuals affected with KMT2A-related conditions. This variant is not present in population databases (gnomAD no frequency). This sequence change replaces proline, which is neutral and non-polar, with serine, which is neutral and polar, at codon 2949 of the KMT2A protein (p.Pro2949Ser).